The following is an entry in ClinVar:

NM_002878.4(RAD51D):c.623dup (p.Thr209fs)

Genes: RAD51L3-RFFL (RAD51L3-RFFL readthrough; minus strand), RAD51D (RAD51 paralog D; minus strand). Cytogenetic location: 17q12.
Variant type: Duplication.
Coding change: c.623dup on transcript NM_002878.4 (MANE Select); coding-DNA position 623, one base duplicated (T; older notation c.623dupT).
Protein change: p.Thr209fs; shifts the reading frame from threonine 209.
Molecular consequence: frameshift variant. On other transcripts: non-coding transcript variant (3).
Genome position (GRCh38, 1-based): chr17:35,103,498, A duplicated on the plus strand (T on the coding strand, the reverse complement: RAD51D is on the minus strand). VCF-style (leftmost placement, unchanged base first): chr17-35103497-G-GA. GRCh37 (hg19) VCF-style: chr17-33430516-G-GA.
Other names: c.683dup, p.Thr229fs (NM_001142571.2); c.287dup, p.Thr97fs (NM_133629.3); c.623dupT (NM_002878.3); short protein forms T97fs, T229fs, T209fs.
Identifiers: ClinVar variation 480540 (VCV000480540.22), dbSNP rs1555567610, ClinGen allele CA16622123.

ClinVar aggregate classification (germline): Pathogenic/Likely pathogenic. Review status: criteria provided, multiple submitters, no conflicts (2 of 4 stars). 8 submissions from 8 submitters: Pathogenic (3); Likely pathogenic (5). Last evaluated 2024-11-07.

Conditions:
Familial ovarian cancer. Identifiers: MedGen C5679802, MONDO:0016248.
Hereditary cancer-predisposing syndrome. Also called: Hereditary Cancer Syndrome; Neoplastic Syndromes, Hereditary; Tumor predisposition; Hereditary neoplastic syndrome. Identifiers: Orphanet 140162, MedGen C0027672, MeSH D009386, MONDO:0015356.
Breast-ovarian cancer, familial, susceptibility to, 4. Identifiers: Orphanet 145, MedGen C3280345, MONDO:0013669, OMIM 614291.
Inherited breast cancer and ovarian cancer.

Allele frequency attached by ClinVar (database versions not stated): gnomAD exomes below 0.00001.

Submissions (8):

Genomics and Molecular Medicine Service, East Genomic Laboratory Hub, NHS Genomic Medicine Service
Classification: Pathogenic for Inherited breast cancer and ovarian cancer. Last evaluated: 2024-11-07. Review status: criteria provided, single submitter. Criteria: ACGS Best Practice Guidelines for Variant Classification in Rare Disease 2020. Collection method: clinical testing. Allele origin: germline. Affected: yes.
Comment: PVS1,PM2_Supporting,PM5_Supporting

Ambry Genetics
Classification: Likely pathogenic for Hereditary cancer-predisposing syndrome. Last evaluated: 2024-08-06. Review status: criteria provided, single submitter. Criteria: Ambry Variant Classification Scheme 2023. Collection method: clinical testing. Allele origin: germline.
Comment: The c.623dupT variant, located in coding exon 7 of the RAD51D gene, results from a duplication of T at nucleotide position 623, causing a translational frameshift with a predicted alternate stop codon (p.T209Hfs*118). This alteration occurs at the 3' terminus of the RAD51D gene, is not expected to trigger nonsense-mediated mRNA decay, and impacts only the last 120 amino acids of the protein. The exact functional impact of these altered amino acids is unknown at this time; however, structural analysis suggests that this frameshift would disrupt the ATPase functional domain (Amunugama R et al. J. Biol. Chem. 2012 Mar;287(12):8724-36). This alteration has been identified in high-risk breast/ovarian cancer families (Song H et al. J. Clin. Oncol., 2015 Sep;33:2901-7; Couch FJ et al. J. Clin. Oncol., 2015 Feb;33:304-11). In another study this variant was reported in 2/60,466 breast cancer cases and in 0/53,461 controls (Dorling et al. N Engl J Med. 2021 02;384:428-439). Based on the majority of available evidence to date, this variant is likely to be pathogenic.

ARUP Laboratories, Molecular Genetics and Genomics, ARUP Laboratories
Classification: Pathogenic for Breast-ovarian cancer, familial, susceptibility to, 4. Last evaluated: 2024-05-31. Review status: criteria provided, single submitter. Criteria: ARUP Molecular Germline Variant Investigation Process 2024. Collection method: clinical testing. Allele origin: germline.
Comment: The RAD51D c.623dup; p.Thr209HisfsTer118 variant (rs1555567610, ClinVar Variation ID: 480540) is reported in the literature in multiple individuals affected with breast and ovarian cancer (Couch 2018, Song 2015, Yang 2020). This variant is absent from the Genome Aggregation Database (v2.1.1), indicating it is not a common polymorphism. This variant causes a frameshift by inserting a single nucleotide, so it is predicted to result in a truncated protein or mRNA subject to nonsense-mediated decay. Based on available information, this variant is considered to be pathogenic. References: Couch FJ et al. Inherited mutations in 17 breast cancer susceptibility genes among a large triple-negative breast cancer cohort unselected for family history of breast cancer. J Clin Oncol. 2015 Feb 1;33(4):304-11. PMID: 25452441. Song H et al. Contribution of Germline Mutations in the RAD51B, RAD51C, and RAD51D Genes to Ovarian Cancer in the Population. J Clin Oncol. 2015 Sep 10;33(26):2901-7. PMID: 26261251. Yang X et al. Ovarian and Breast Cancer Risks Associated With Pathogenic Variants in RAD51C and RAD51D. J Natl Cancer Inst. 2020 Dec 14;112(12):1242-1250. PMID: 32107557

Labcorp Genetics (formerly Invitae), Labcorp
Classification: Likely pathogenic for Breast-ovarian cancer, familial, susceptibility to, 4. Last evaluated: 2024-03-20. Review status: criteria provided, single submitter. Criteria: Invitae Variant Classification Sherloc (09022015). Collection method: clinical testing. Allele origin: germline.
Comment: This sequence change creates a premature translational stop signal (p.Thr209Hisfs*118) in the RAD51D gene. While this is not anticipated to result in nonsense mediated decay, it is expected to disrupt the last 120 amino acid(s) of the RAD51D protein. This variant is not present in population databases (gnomAD no frequency). This premature translational stop signal has been observed in individual(s) with breast cancer and ovarian cancer (PMID: 25452441, 26261251, 32107557). ClinVar contains an entry for this variant (Variation ID: 480540). This variant disrupts the ATPase domain and RAD51C interaction domain of the RAD51D protein, which are necessary for the DNA repair activity (PMID: 14704354, 19327148, 21111057, 10749867). While functional studies have not been performed to directly test the effect of this variant on RAD51D protein function, this suggests that disruption of this region of the protein is causative of disease. In summary, the currently available evidence indicates that the variant is pathogenic, but additional data are needed to prove that conclusively. Therefore, this variant has been classified as Likely Pathogenic.

Molecular Pathology, Peter Maccallum Cancer Centre
Classification: Likely pathogenic for Familial ovarian cancer. Last evaluated: 2024-03-05. Review status: criteria provided, single submitter. Criteria: ACMG Guidelines, 2015. Collection method: clinical testing. Allele origin: germline. Inheritance: Autosomal dominant inheritance.

Myriad Genetics, Inc.
Classification: Likely pathogenic for Breast-ovarian cancer, familial, susceptibility to, 4. Last evaluated: 2023-11-30. Review status: criteria provided, single submitter. Criteria: Myriad Autosomal Dominant, Autosomal Recessive and X-Linked Classification Criteria (2023). Collection method: clinical testing. Allele origin: unknown.
Comment: This variant is considered likely pathogenic. This variant creates a frameshift predicted to result in premature protein truncation.

Fulgent Genetics
Classification: Likely pathogenic for Breast-ovarian cancer, familial, susceptibility to, 4. Last evaluated: 2022-03-30. Review status: criteria provided, single submitter. Criteria: ACMG Guidelines, 2015. Collection method: clinical testing. Allele origin: unknown.

Color Diagnostics, LLC DBA Color Health
Classification: Pathogenic for Hereditary cancer-predisposing syndrome. Last evaluated: 2020-01-15. Review status: criteria provided, single submitter. Criteria: ACMG Guidelines, 2015. Collection method: clinical testing. Allele origin: germline.
Comment: This variant inserts 1 nucleotide in exon 7 of the RAD51D gene, creating a frameshift and premature translation stop signal. This variant is expected to result in an absent or non-functional protein product. This variant has not been identified in the general population by the Genome Aggregation Database (gnomAD). Loss of RAD51D function is a known mechanism of disease. Based on the available evidence, this variant is classified as Pathogenic.

Literature cited by the submitters: PubMed 22275364 (cited by Ambry Genetics); PubMed 25452441 (cited by Ambry Genetics and Labcorp Genetics (formerly Invitae), Labcorp); PubMed 26261251 (cited by Ambry Genetics and Labcorp Genetics (formerly Invitae), Labcorp); PubMed 33471991 (cited by Ambry Genetics); PubMed 32107557 (cited by Labcorp Genetics (formerly Invitae), Labcorp); PubMed 14704354 (cited by Labcorp Genetics (formerly Invitae), Labcorp); PubMed 19327148 (cited by Labcorp Genetics (formerly Invitae), Labcorp); PubMed 21111057 (cited by Labcorp Genetics (formerly Invitae), Labcorp); PubMed 10749867 (cited by Labcorp Genetics (formerly Invitae), Labcorp).